The following is an entry in ClinVar:

ClinVar aggregate classification (germline): Uncertain significance (1 of 4 stars; one submission).

Submission:

GeneDx
Classification: Uncertain significance. Last evaluated: 2025-01-09. Review status: criteria provided, single submitter. Criteria: GeneDx Variant Classification Process June 2021. Collection method: clinical testing. Allele origin: germline. Affected: yes.
Comment: Not observed at significant frequency in large population cohorts (gnomAD); In silico analysis supports a deleterious effect on protein structure/function; Has not been previously published as pathogenic or benign to our knowledge

NM_006267.5(RANBP2):c.9466_9467delinsTT (p.Gly3156Phe)

Gene: RANBP2 (RAN binding protein 2; plus strand). Cytogenetic location: 2q13.
Variant type: Indel.
Coding change: c.9466_9467delinsTT on transcript NM_006267.5 (MANE Select); coding-DNA positions 9466 to 9467, GG replaced by TT.
Protein change: p.Gly3156Phe; replaces glycine 3156 with phenylalanine.
Molecular consequence: missense variant.
Genome position (GRCh38, 1-based): chr2:108,783,692-108,783,693, GG replaced by TT. VCF-style: chr2-108783692-GG-TT. GRCh37 (hg19) VCF-style: chr2-109400148-GG-TT.
Other names: c.9544_9545delinsTT, p.Gly3182Phe (NM_001415871.1); c.9463_9464delinsTT, p.Gly3155Phe (NM_001415872.1); c.9490_9491delinsTT, p.Gly3164Phe (NM_001415873.1); short protein forms G3155F, G3156F, G3164F, G3182F.
Identifiers: ClinVar variation 4057125 (VCV004057125.1).